The following is an entry in ClinVar:

ClinVar aggregate classification (germline): Uncertain significance. Review status: criteria provided, multiple submitters, no conflicts (2 of 4 stars). 2 submissions from 2 submitters: Uncertain significance (2). Last evaluated 2025-03-31.

Allele frequency attached by ClinVar (database versions not stated): gnomAD exomes below 0.00001 and 0.00001; gnomAD 0.00001; TOPMed 0.00001.
gnomAD v4.1: 6 of 1,614,090 alleles (0.00037%); highest among the groups gnomAD compares: Middle Eastern, 0.016%; no homozygotes.

Submissions (2):

Labcorp Genetics (formerly Invitae), Labcorp
Classification: Uncertain significance. Last evaluated: 2025-03-31. Review status: criteria provided, single submitter. Criteria: Invitae Variant Classification Sherloc (09022015). Collection method: clinical testing. Allele origin: germline.
Comment: This sequence change replaces glutamic acid, which is acidic and polar, with lysine, which is basic and polar, at codon 568 of the PCARE protein (p.Glu568Lys). This variant is present in population databases (no rsID available, gnomAD 0.003%). This variant has not been reported in the literature in individuals affected with PCARE-related conditions. ClinVar contains an entry for this variant (Variation ID: 1366285). An algorithm developed to predict the effect of missense changes on protein structure and function (PolyPhen-2) suggests that this variant is likely to be disruptive. In summary, the available evidence is currently insufficient to determine the role of this variant in disease. Therefore, it has been classified as a Variant of Uncertain Significance.

Blueprint Genetics
Classification: Uncertain significance. Last evaluated: 2023-12-27. Review status: criteria provided, single submitter. Criteria: ACMG Guidelines, 2015. Collection method: clinical testing. Allele origin: germline.

NM_001029883.3(PCARE):c.1702G>A (p.Glu568Lys)

Gene: PCARE (photoreceptor cilium actin regulator; minus strand). Cytogenetic location: 2p23.2.
Variant type: single nucleotide variant.
Coding change: c.1702G>A on transcript NM_001029883.3 (MANE Select); coding-DNA position 1702, G replaced by A.
Protein change: p.Glu568Lys; replaces glutamic acid 568 with lysine.
Molecular consequence: missense variant.
Genome position (GRCh38, 1-based): chr2:29,072,560, C>T on the plus strand (G>A on the coding strand, the complement: PCARE is on the minus strand). VCF-style: chr2-29072560-C-T. GRCh37 (hg19) VCF-style: chr2-29295426-C-T.
Other names: short protein forms E568K.
Identifiers: ClinVar variation 1366285 (VCV001366285.5), dbSNP rs1351441356, ClinGen allele CA346479090.
Genomic context (GRCh38, chr2:29,072,560, plus strand): 5'-GGGCCCTCCTGCTGCCACTTACCGTGCTAGGTCTTGGGGGGACCACTGTCCTCCCCTCCT[C>T]CTCCTCAGACCAGTCCTGGTGCCCACAGGGCACAGGGACAAACTTGATCCTTTCGCTGAT-3'
Protein context (NP_001025054.1, residues 558-578): PCGHQDWSEE[Glu568Lys]EGRTVVPPRP